The following is an entry in ClinVar:

ClinVar aggregate classification (germline): Uncertain significance. Review status: criteria provided, multiple submitters, no conflicts (2 of 4 stars). 2 submissions from 2 submitters: Uncertain significance (2). Last evaluated 2025-01-13.

Conditions:
Inborn genetic diseases. Identifiers: MedGen C0950123, MeSH D030342.
Multiple sulfatase deficiency (MSD). Also called: Mucosulfatidosis; Multiple Sulfatase Deficiency Disease; Sulfatidosis, Juvenile, Austin Type. Identifiers: Orphanet 585, MedGen C0268263, MONDO:0010088, OMIM 272200.

Allele frequency attached by ClinVar (database versions not stated): gnomAD 0.00002; gnomAD exomes 0.00002; TOPMed 0.00002; ESP Exome Variant Server 0.00008.
gnomAD v4.1: 25 of 1,562,184 alleles (0.0016%); highest among the groups gnomAD compares: South Asian, 0.0023%; no homozygotes.

Submissions (2):

Labcorp Genetics (formerly Invitae), Labcorp
Classification: Uncertain significance for Multiple sulfatase deficiency. Last evaluated: 2025-01-13. Review status: criteria provided, single submitter. Criteria: Invitae Variant Classification Sherloc (09022015). Collection method: clinical testing. Allele origin: germline.
Comment: This sequence change replaces alanine, which is neutral and non-polar, with threonine, which is neutral and polar, at codon 47 of the SUMF1 protein (p.Ala47Thr). This variant is not present in population databases (gnomAD no frequency). This variant has not been reported in the literature in individuals affected with SUMF1-related conditions. ClinVar contains an entry for this variant (Variation ID: 1450978). An algorithm developed to predict the effect of missense changes on protein structure and function outputs the following: PolyPhen-2: "Benign". The threonine amino acid residue is found in multiple mammalian species, which suggests that this missense change does not adversely affect protein function. In summary, the available evidence is currently insufficient to determine the role of this variant in disease. Therefore, it has been classified as a Variant of Uncertain Significance.

Ambry Genetics
Classification: Uncertain significance for Inborn genetic diseases. Last evaluated: 2024-09-08. Review status: criteria provided, single submitter. Criteria: Ambry Variant Classification Scheme 2023. Collection method: clinical testing. Allele origin: germline.

NM_182760.4(SUMF1):c.139G>A (p.Ala47Thr)

Genes: SUMF1 (sulfatase modifying factor 1; minus strand), LOC129936056 (ATAC-STARR-seq lymphoblastoid silent region 14016; plus strand). Cytogenetic location: 3p26.1.
Variant type: single nucleotide variant.
Coding change: c.139G>A on transcript NM_182760.4 (MANE Select); coding-DNA position 139, G replaced by A.
Protein change: p.Ala47Thr; replaces alanine 47 with threonine.
Molecular consequence: missense variant.
Genome position (GRCh38, 1-based): chr3:4,467,107, C>T on the plus strand (G>A on the coding strand, the complement: SUMF1 is on the minus strand). VCF-style: chr3-4467107-C-T. GRCh37 (hg19) VCF-style: chr3-4508791-C-T.
Other names: c.139G>A (NM_182760.3); c.139G>A, p.Ala47Thr (NM_001164674.2, NM_001164675.2); short protein forms A47T.
Identifiers: ClinVar variation 1450978 (VCV001450978.9), dbSNP rs368821807, ClinGen allele CA2230710.